The following is an entry in ClinVar:

NC_000023.11:g.18646036C>T

Genes: CDKL5 (cyclin dependent kinase like 5; plus strand), RS1 (retinoschisin 1; minus strand). Cytogenetic location: Xp22.13.
Variant type: single nucleotide variant.
Molecular consequence: intron variant (on NM_000330.4). On other transcripts: missense variant (2).
Genome position: GRCh38 VCF-style: chrX-18646036-C-T. GRCh37 (hg19) VCF-style: chrX-18664156-C-T.
Other names: c.2743C>T, p.His915Tyr (NM_001037343.2, NM_003159.3); c.326+1155G>A (NM_000330.4); short protein forms H915Y.
Identifiers: ClinVar variation 2934175 (VCV002934175.3), dbSNP rs2518921945, ClinGen allele CA412372437.
Genomic context (GRCh38, chrX:18,646,036, plus strand): 5'-TGCTGCTCTTTTGTTTCTCCCCACTAACTAGACGGTGGATGTGATGGCAGAAGACAGAGA[C>T]ACCATTCTGGACCCCAAGATAGACGCTTCATGTTAAGGACGACAGAACAACAAGGTAGAG-3'

ClinVar aggregate classification (germline): Uncertain significance (1 of 4 stars; one submission).

Conditions:
Developmental and epileptic encephalopathy, 2 (DEE2). Also called: INFANTILE SPASM SYNDROME, X-LINKED 2; CDKL5 deficiency disorder. Identifiers: Orphanet 1934, Orphanet 3451, Orphanet 505652, MedGen C4750718, MONDO:0010396, OMIM 300672.
Angelman syndrome-like. Identifiers: MedGen CN128785.

Submission:

Labcorp Genetics (formerly Invitae), Labcorp
Classification: Uncertain significance for Developmental and epileptic encephalopathy, 2; Angelman syndrome-like. Last evaluated: 2023-03-23. Review status: criteria provided, single submitter. Criteria: Invitae Variant Classification Sherloc (09022015). Collection method: clinical testing. Allele origin: germline.
Comment: This variant is not present in population databases (gnomAD no frequency). This sequence change replaces histidine, which is basic and polar, with tyrosine, which is neutral and polar, at codon 915 of the CDKL5 protein (p.His915Tyr). This variant has not been reported in the literature in individuals affected with CDKL5-related conditions. In summary, the available evidence is currently insufficient to determine the role of this variant in disease. Therefore, it has been classified as a Variant of Uncertain Significance. Advanced modeling of protein sequence and biophysical properties (such as structural, functional, and spatial information, amino acid conservation, physicochemical variation, residue mobility, and thermodynamic stability) performed at Invitae indicates that this missense variant is not expected to disrupt CDKL5 protein function.